The following is an entry in ClinVar:

NM_007078.3(LDB3):c.2164G>T (p.Ala722Ser)

Gene: LDB3 (LIM domain binding 3; plus strand). Cytogenetic location: 10q23.2.
Variant type: single nucleotide variant.
Coding change: c.2164G>T on transcript NM_007078.3 (MANE Select); coding-DNA position 2164, G replaced by T.
Protein change: p.Ala722Ser; replaces alanine 722 with serine.
Molecular consequence: missense variant.
Genome position (GRCh38, 1-based): chr10:86,732,956, G>T. VCF-style: chr10-86732956-G-T. GRCh37 (hg19) VCF-style: chr10-88492713-G-T.
Other names: c.1834G>T, p.Ala612Ser (NM_001080114.2); c.2179G>T, p.Ala727Ser (NM_001171610.2); c.1975G>T, p.Ala659Ser (NM_001368064.1, NM_001368065.1); c.2023G>T, p.Ala675Ser (NM_001368066.1); short protein forms A675S, A727S, A612S, A722S, A659S.
Identifiers: ClinVar variation 2195096 (VCV002195096.5), dbSNP rs727505129, ClinGen allele CA377460489.

ClinVar aggregate classification (germline): Uncertain significance. Review status: criteria provided, multiple submitters, no conflicts (2 of 4 stars). 2 submissions from 2 submitters: Uncertain significance (2). Last evaluated 2022-10-13.

Conditions:
Myofibrillar myopathy 4. Also called: Zaspopathy (type). Identifiers: Orphanet 98912, MedGen C4721886, MONDO:0012277, OMIM 609452.

gnomAD v4.1: 2 of 1,613,594 alleles (0.00012%); highest among the groups gnomAD compares: Non-Finnish European, 0.00017%; no homozygotes.

Submissions (2):

Labcorp Genetics (formerly Invitae), Labcorp
Classification: Uncertain significance for Myofibrillar myopathy 4. Last evaluated: 2022-10-13. Review status: criteria provided, single submitter. Criteria: Invitae Variant Classification Sherloc (09022015). Collection method: clinical testing. Allele origin: germline.
Comment: The LDB3 gene has multiple clinically relevant transcripts. This variant occurs in alternate transcript NM_007078.3, and corresponds to NM_001080116.1:c.*33582G>T in the primary transcript. This sequence change replaces alanine, which is neutral and non-polar, with serine, which is neutral and polar, at codon 722 of the LDB3 protein (p.Ala722Ser). This variant is not present in population databases (gnomAD no frequency). This variant has not been reported in the literature in individuals affected with LDB3-related conditions. Experimental studies and prediction algorithms are not available or were not evaluated, and the functional significance of this variant is currently unknown. In summary, the available evidence is currently insufficient to determine the role of this variant in disease. Therefore, it has been classified as a Variant of Uncertain Significance.

Blueprint Genetics
Classification: Uncertain significance. Last evaluated: 2020-12-30. Review status: criteria provided, single submitter. Criteria: ACMG Guidelines, 2015. Collection method: clinical testing. Allele origin: germline.